The following is an entry in ClinVar:

ClinVar aggregate classification (germline): Uncertain significance (1 of 4 stars; one submission).

Conditions:
Fanconi anemia (FA). Also called: Fanconi's anemia. Identifiers: Orphanet 84, MedGen C0015625, MeSH D005199, MONDO:0019391.

Allele frequency attached by ClinVar (database versions not stated): gnomAD exomes below 0.00001; gnomAD 0.00001; TOPMed 0.00001.
gnomAD v4.1: 3 of 1,613,810 alleles (0.00019%); highest among the groups gnomAD compares: East Asian, 0.0022%; no homozygotes.

Submission:

Labcorp Genetics (formerly Invitae), Labcorp
Classification: Uncertain significance for Fanconi anemia. Last evaluated: 2025-10-06. Review status: criteria provided, single submitter. Criteria: Invitae Variant Classification Sherloc (09022015). Collection method: clinical testing. Allele origin: germline.
Comment: This sequence change replaces alanine, which is neutral and non-polar, with valine, which is neutral and non-polar, at codon 812 of the SLX4 protein (p.Ala812Val). This variant is present in population databases (no rsID available, gnomAD 0.006%). This variant has not been reported in the literature in individuals affected with SLX4-related conditions. ClinVar contains an entry for this variant (Variation ID: 2199733). An algorithm developed to predict the effect of missense changes on protein structure and function outputs the following: PolyPhen-2: "Benign". The valine amino acid residue is found in multiple mammalian species, which suggests that this missense change does not adversely affect protein function. In summary, the available evidence is currently insufficient to determine the role of this variant in disease. Therefore, it has been classified as a Variant of Uncertain Significance.

NM_032444.4(SLX4):c.2435C>T (p.Ala812Val)

Gene: SLX4 (SLX4 structure-specific endonuclease subunit; minus strand). Cytogenetic location: 16p13.3.
Variant type: single nucleotide variant.
Coding change: c.2435C>T on transcript NM_032444.4 (MANE Select); coding-DNA position 2435, C replaced by T.
Protein change: p.Ala812Val; replaces alanine 812 with valine.
Molecular consequence: missense variant.
Genome position (GRCh38, 1-based): chr16:3,591,203, G>A on the plus strand (C>T on the coding strand, the complement: SLX4 is on the minus strand). VCF-style: chr16-3591203-G-A. GRCh37 (hg19) VCF-style: chr16-3641204-G-A.
Other names: short protein forms A812V.
Identifiers: ClinVar variation 2199733 (VCV002199733.3), dbSNP rs983506423, ClinGen allele CA276959398.